The following is an entry in ClinVar:

NM_001042492.3(NF1):c.3503G>A (p.Gly1168Asp)

Gene: NF1 (neurofibromin 1; plus strand). Cytogenetic location: 17q11.2.
Variant type: single nucleotide variant.
Coding change: c.3503G>A on transcript NM_001042492.3 (MANE Select); coding-DNA position 3503, G replaced by A.
Protein change: p.Gly1168Asp; replaces glycine 1168 with aspartic acid.
Molecular consequence: missense variant.
Genome position (GRCh38, 1-based): chr17:31,233,008, G>A. VCF-style: chr17-31233008-G-A. GRCh37 (hg19) VCF-style: chr17-29560026-G-A.
Other names: c.3503G>A, p.Gly1168Asp (NM_000267.4); short protein forms G1168D.
Identifiers: ClinVar variation 1347368 (VCV001347368.10), dbSNP rs2151435263, ClinGen allele CA398989637.
Genomic context (GRCh38, chr17:31,233,008, plus strand): 5'-AAATTACTTCAGCAAGGCCATGTTAGTAAATTTGCATCTGTTTGTCCACATTAGGCTTAG[G>A]TTACCACAAGGATCTCCAGACAAGAGCTACATTTATGGAAGTTCTGACAAAAATCCTTCA-3'
Protein context (NP_001035957.1, residues 1158-1178): DSGLMHSIGL[Gly1168Asp]YHKDLQTRAT

ClinVar aggregate classification (germline): Likely pathogenic. Review status: criteria provided, multiple submitters, no conflicts (2 of 4 stars). 3 submissions from 3 submitters: Likely pathogenic (3). Last evaluated 2025-08-29.

Conditions:
Neurofibromatosis, type 1 (NF1). Also called: Peripheral type neurofibromatosis; NEUROFIBROMATOSIS, TYPE I, SOMATIC; Neurofibromatosis, type I; VON RECKLINGHAUSEN DISEASE. Identifiers: Orphanet 636, MedGen C0027831, MONDO:0018975, OMIM 162200. Disease mechanism: loss of function.
NF1-related disorder. Also called: NF1-related condition. Identifiers: MedGen CN379171.
Hereditary cancer-predisposing syndrome. Also called: Neoplastic Syndromes, Hereditary; Tumor predisposition; Hereditary neoplastic syndrome; Hereditary Cancer Syndrome. Identifiers: Orphanet 140162, MedGen C0027672, MeSH D009386, MONDO:0015356.
Cardiovascular phenotype. Identifiers: MedGen CN230736.

Submissions (3):

Ambry Genetics
Classification: Likely pathogenic for Cardiovascular phenotype; Hereditary cancer-predisposing syndrome. Last evaluated: 2025-08-29. Review status: criteria provided, single submitter. Criteria: Ambry Variant Classification Scheme 2023. Collection method: clinical testing. Allele origin: germline.
Comment: The c.3503G>A (p.G1168D) alteration is located in exon 27 (coding exon 27) of the NF1 gene. This alteration results from a G to A substitution at nucleotide position 3503, causing the glycine (G) at amino acid position 1168 to be replaced by an aspartic acid (D). This variant was not reported in population-based cohorts in the Genome Aggregation Database (gnomAD). This variant was reported in individual(s) with features consistent with Neurofibromatosis type 1 (Douben, 2023; external communication). This amino acid position is highly conserved in available vertebrate species. This alteration is predicted to be deleterious by in silico analysis. Based on the available evidence, this alteration is classified as likely pathogenic.

Labcorp Genetics (formerly Invitae), Labcorp
Classification: Likely pathogenic for Neurofibromatosis, type 1. Last evaluated: 2024-10-17. Review status: criteria provided, single submitter. Criteria: Invitae Variant Classification Sherloc (09022015). Collection method: clinical testing. Allele origin: germline.
Comment: This sequence change replaces glycine, which is neutral and non-polar, with aspartic acid, which is acidic and polar, at codon 1168 of the NF1 protein (p.Gly1168Asp). This variant is not present in population databases (gnomAD no frequency). This variant has not been reported in the literature in individuals affected with NF1-related conditions. ClinVar contains an entry for this variant (Variation ID: 1347368). Invitae Evidence Modeling of protein sequence and biophysical properties (such as structural, functional, and spatial information, amino acid conservation, physicochemical variation, residue mobility, and thermodynamic stability) indicates that this missense variant is expected to disrupt NF1 protein function with a positive predictive value of 95%. This variant disrupts the Gly1168 amino acid residue in NF1. Other variant(s) that disrupt this residue have been determined to be pathogenic (internal data). This suggests that this residue is clinically significant, and that variants that disrupt this residue are likely to be disease-causing. In summary, the currently available evidence indicates that the variant is pathogenic, but additional data are needed to prove that conclusively. Therefore, this variant has been classified as Likely Pathogenic.

Blueprint Genetics
Classification: Likely pathogenic for NF1-related disorders. Last evaluated: 2024-07-01. Review status: criteria provided, single submitter. Criteria: ACMG Guidelines, 2015. Collection method: clinical testing. Allele origin: germline. Affected: yes. Observed: 3 variant alleles.

Literature cited by the submitters: PubMed 40225167 (cited by Ambry Genetics).